The following is an entry in ClinVar:

ClinVar aggregate classification (germline): Uncertain significance (1 of 4 stars; one submission).

Submission:

Labcorp Genetics (formerly Invitae), Labcorp
Classification: Uncertain significance. Last evaluated: 2023-07-31. Review status: criteria provided, single submitter. Criteria: Invitae Variant Classification Sherloc (09022015). Collection method: clinical testing. Allele origin: germline.
Comment: This sequence change replaces arginine, which is basic and polar, with lysine, which is basic and polar, at codon 1300 of the TOP2B protein (p.Arg1300Lys). This variant is not present in population databases (gnomAD no frequency). This variant has not been reported in the literature in individuals affected with TOP2B-related conditions. An algorithm developed to predict the effect of missense changes on protein structure and function (PolyPhen-2) suggests that this variant is likely to be tolerated. In summary, the available evidence is currently insufficient to determine the role of this variant in disease. Therefore, it has been classified as a Variant of Uncertain Significance.

NM_001330700.2(TOP2B):c.3914G>A (p.Arg1305Lys)

Gene: TOP2B (DNA topoisomerase II beta; minus strand). Cytogenetic location: 3p24.2.
Variant type: single nucleotide variant.
Coding change: c.3914G>A on transcript NM_001330700.2 (MANE Select); coding-DNA position 3914, G replaced by A.
Protein change: p.Arg1305Lys; replaces arginine 1305 with lysine.
Molecular consequence: missense variant.
Genome position (GRCh38, 1-based): chr3:25,609,585, C>T on the plus strand (G>A on the coding strand, the complement: TOP2B is on the minus strand). VCF-style: chr3-25609585-C-T. GRCh37 (hg19) VCF-style: chr3-25651076-C-T.
Other names: c.3899G>A, p.Arg1300Lys (NM_001068.3); short protein forms R1305K, R1300K.
Identifiers: ClinVar variation 2748830 (VCV002748830.3), dbSNP rs374634133, ClinGen allele CA351894113.
Genomic context (GRCh38, chr3:25,609,585, plus strand): 5'-ATTTTTTCTCTCACACACATGCAAAACTATAATCATTTCTCACCAGGCTCCTTCTTCTCC[C>T]TCTTAGGTTTGGGACCTTTATTTATAGGAACTGATGGAGTCAATGCCTCTTCTCCTGCAC-3'
Protein context (NP_001317629.1, residues 1295-1315): VPINKGPKPK[Arg1305Lys]EKKEPGTRVR